The following is an entry in ClinVar:

ClinVar aggregate classification (germline): Likely benign (1 of 4 stars; one submission).

Conditions:
IFT140-related disorder. Also called: IFT140-related condition.

gnomAD v4.1: 1 of 1,614,182 alleles (0.000062%); highest among the groups gnomAD compares: Non-Finnish European, 0.000085%; no homozygotes.

Submission:

PreventionGenetics, part of Exact Sciences
Classification: Likely benign for IFT140-related condition. Last evaluated: 2025-09-29. Review status: criteria provided, single submitter. Criteria: ACMG Guidelines, 2015. Collection method: clinical testing. Allele origin: germline.
Comment: This variant is classified as likely benign based on ACMG/AMP sequence variant interpretation guidelines (Richards et al. 2015 PMID: 25741868, with internal and published modifications).

NM_014714.4(IFT140):c.108C>T (p.Ser36=)

Genes: IFT140 (intraflagellar transport 140; minus strand), LOC105371046 (uncharacterized LOC105371046; plus strand). Cytogenetic location: 16p13.3.
Variant type: single nucleotide variant.
Coding change: c.108C>T on transcript NM_014714.4 (MANE Select); coding-DNA position 108, C replaced by T.
Protein change: p.Ser36=; no amino-acid change (serine 36 retained).
Molecular consequence: synonymous variant.
Genome position (GRCh38, 1-based): chr16:1,607,159, G>A on the plus strand (C>T on the coding strand, the complement: IFT140 is on the minus strand). VCF-style: chr16-1607159-G-A. GRCh37 (hg19) VCF-style: chr16-1657160-G-A.
Identifiers: ClinVar variation 4994810 (VCV004994810.1).
Genomic context (GRCh38, chr16:1,607,159, plus strand): 5'-TCCTTGCTTCTGAGCACTCACTTGCTCCAGGTAAATATCCACGCTGCCTGTTGAGGTTGT[G>A]CTGATGTAAGCAACTGCCAAGAATGGATGGACAGGGTGCCAGCTGATAAATGAGGGTGAC-3'
Protein context (NP_055529.2, residues 26-46): VHPFLAVAYI[Ser36=]TTSTGSVDIY